The following is an entry in ClinVar:

NM_006506.5(RASA2):c.2043A>T (p.Lys681Asn)

Gene: RASA2 (RAS p21 protein activator 2; plus strand). Cytogenetic location: 3q23.
Variant type: single nucleotide variant.
Coding change: c.2043A>T on transcript NM_006506.5 (MANE Select); coding-DNA position 2043, A replaced by T.
Protein change: p.Lys681Asn; replaces lysine 681 with asparagine.
Molecular consequence: missense variant.
Genome position (GRCh38, 1-based): chr3:141,608,515, A>T. VCF-style: chr3-141608515-A-T. GRCh37 (hg19) VCF-style: chr3-141327357-A-T.
Other names: c.2046A>T, p.Lys682Asn (NM_001303245.3); c.2055A>T, p.Lys685Asn (NM_001303246.3); short protein forms K681N, K685N, K682N.
Identifiers: ClinVar variation 3786974 (VCV003786974.1).

ClinVar aggregate classification (germline): Uncertain significance (1 of 4 stars; one submission).

Submission:

Ambry Genetics
Classification: Uncertain significance. Last evaluated: 2025-01-27. Review status: criteria provided, single submitter. Criteria: Ambry Variant Classification Scheme 2023. Collection method: clinical testing. Allele origin: germline.
Comment: The p.K681N variant (also known as c.2043A>T), located in coding exon 21 of the RASA2 gene, results from an A to T substitution at nucleotide position 2043. The lysine at codon 681 is replaced by asparagine, an amino acid with similar properties. This amino acid position is conserved. In addition, this alteration is predicted to be tolerated by in silico analysis. Based on the available evidence, the clinical significance of this variant remains unclear.